The following is an entry in ClinVar:

ClinVar aggregate classification (germline): Uncertain significance. Review status: criteria provided, multiple submitters, no conflicts (2 of 4 stars). 3 submissions from 3 submitters: Uncertain significance (2). 1 of the submissions does not count toward it. Last evaluated 2025-11-17.

Conditions:
Cohen syndrome (COH1). Also called: PEPPER SYNDROME; Cutis verticis gyrata, retinitis pigmentosa, and sensorineural deafness. Identifiers: Orphanet 193, MedGen C0265223, MONDO:0008999, OMIM 216550.
VPS13B-related disorder. Also called: VPS13B-related condition.

Allele frequency attached by ClinVar (database versions not stated): ExAC 0.00001; gnomAD 0.00001; gnomAD exomes 0.00001 and 0.00002; TOPMed 0.00003.
gnomAD v4.1: 38 of 1,614,104 alleles (0.0024%); highest among the groups gnomAD compares: East Asian, 0.018%; no homozygotes.

Submissions (3):

PreventionGenetics, part of Exact Sciences
Classification: Uncertain significance for VPS13B-related condition. Last evaluated: 2025-11-17. Review status: criteria provided, single submitter. Criteria: ACMG Guidelines, 2015. Collection method: clinical testing. Allele origin: germline.
Comment: The VPS13B c.11623G>A variant is predicted to result in the amino acid substitution p.Val3875Ile. To our knowledge, this variant has not been reported in the literature. This variant is reported in 0.0054% of alleles in individuals of East Asian descent in gnomAD. At this time, the clinical significance of this variant is uncertain due to the absence of conclusive functional and genetic evidence.

Labcorp Genetics (formerly Invitae), Labcorp
Classification: Uncertain significance for Cohen syndrome. Last evaluated: 2022-03-11. Review status: criteria provided, single submitter. Criteria: Invitae Variant Classification Sherloc (09022015). Collection method: clinical testing. Allele origin: germline.
Comment: This sequence change replaces valine, which is neutral and non-polar, with isoleucine, which is neutral and non-polar, at codon 3900 of the VPS13B protein (p.Val3900Ile). This variant is present in population databases (rs765012695, gnomAD 0.006%). This variant has not been reported in the literature in individuals affected with VPS13B-related conditions. ClinVar contains an entry for this variant (Variation ID: 859550). Algorithms developed to predict the effect of missense changes on protein structure and function output the following: SIFT: "Not Available"; PolyPhen-2: "Benign"; Align-GVGD: "Not Available". The isoleucine amino acid residue is found in multiple mammalian species, which suggests that this missense change does not adversely affect protein function. Algorithms developed to predict the effect of sequence changes on RNA splicing suggest that this variant may create or strengthen a splice site. In summary, the available evidence is currently insufficient to determine the role of this variant in disease. Therefore, it has been classified as a Variant of Uncertain Significance.

Natera, Inc.
Classification: Uncertain significance for Cohen syndrome. Last evaluated: 2020-01-24. Review status: no assertion criteria provided. Collection method: clinical testing. Allele origin: germline. Not counted in ClinVar's aggregate classification.

NM_152564.5(VPS13B):c.11623G>A (p.Val3875Ile)

Gene: VPS13B (vacuolar protein sorting 13 homolog B; plus strand). Cytogenetic location: 8q22.2.
Variant type: single nucleotide variant.
Coding change: c.11623G>A on transcript NM_152564.5 (MANE Select); coding-DNA position 11623, G replaced by A.
Protein change: p.Val3875Ile; replaces valine 3875 with isoleucine.
Molecular consequence: missense variant.
Genome position (GRCh38, 1-based): chr8:99,871,575, G>A. VCF-style: chr8-99871575-G-A. GRCh37 (hg19) VCF-style: chr8-100883803-G-A.
Other names: c.11623G>A (NM_152564.4); c.11698G>A, p.Val3900Ile (NM_017890.5); short protein forms V3900I, V3875I.
Identifiers: ClinVar variation 859550 (VCV000859550.5), dbSNP rs765012695, ClinGen allele CA4825290.